The following is an entry in ClinVar:

NM_001127222.2(CACNA1A):c.5058G>C (p.Gln1686His)

Gene: CACNA1A (calcium voltage-gated channel subunit alpha1 A; minus strand). Cytogenetic location: 19p13.13.
Variant type: single nucleotide variant.
Coding change: c.5058G>C on transcript NM_001127222.2 (MANE Select); coding-DNA position 5058, G replaced by C.
Protein change: p.Gln1686His; replaces glutamine 1686 with histidine.
Molecular consequence: missense variant.
Genome position (GRCh38, 1-based): chr19:13,235,623, C>G on the plus strand (G>C on the coding strand, the complement: CACNA1A is on the minus strand). VCF-style: chr19-13235623-C-G. GRCh37 (hg19) VCF-style: chr19-13346437-C-G.
Other names: c.5076G>C, p.Gln1692His (NM_000068.4, NM_023035.3); c.5061G>C, p.Gln1687His (NM_001127221.2); c.5067G>C, p.Gln1689His (NM_001174080.2); short protein forms Q1687H, Q1692H, Q1686H, Q1689H.
Identifiers: ClinVar variation 2119669 (VCV002119669.5), dbSNP rs2144649562, ClinGen allele CA404336566.

ClinVar aggregate classification (germline): Uncertain significance. Review status: criteria provided, multiple submitters, no conflicts (2 of 4 stars). 2 submissions from 2 submitters: Uncertain significance (2). Last evaluated 2023-01-26.

Conditions:
Episodic ataxia type 2 (EA2). Also called: ATAXIA, EPISODIC, WITH NYSTAGMUS; ATAXIA, FAMILIAL PAROXYSMAL; CEREBELLAR ATAXIA, PAROXYSMAL, ACETAZOLAMIDE-RESPONSIVE; CEREBELLOPATHY, HEREDITARY PAROXYSMAL; EPISODIC ATAXIA, NYSTAGMUS-ASSOCIATED; ACETAZOLAMIDE-RESPONSIVE HEREDITARY PAROXYSMAL CEREBELLAR ATAXIA. Identifiers: Orphanet 97, MedGen C1720416, MONDO:0007163, OMIM 108500.
Developmental and epileptic encephalopathy, 42 (DEE42A). Also called: Epileptic encephalopathy, early infantile, 42; DEVELOPMENTAL AND EPILEPTIC ENCEPHALOPATHY 42A; EPILEPTIC ENCEPHALOPATHY, EARLY INFANTILE, 42A. Identifiers: MedGen C4310716, MONDO:0014917, OMIM 617106.

Submissions (2):

Blueprint Genetics
Classification: Uncertain significance. Last evaluated: 2023-01-26. Review status: criteria provided, single submitter. Criteria: ACMG Guidelines, 2015. Collection method: clinical testing. Allele origin: germline.

Labcorp Genetics (formerly Invitae), Labcorp
Classification: Uncertain significance for Developmental and epileptic encephalopathy, 42; Episodic ataxia type 2. Last evaluated: 2022-03-30. Review status: criteria provided, single submitter. Criteria: Invitae Variant Classification Sherloc (09022015). Collection method: clinical testing. Allele origin: germline.
Comment: In summary, the available evidence is currently insufficient to determine the role of this variant in disease. Therefore, it has been classified as a Variant of Uncertain Significance. Advanced modeling of protein sequence and biophysical properties (such as structural, functional, and spatial information, amino acid conservation, physicochemical variation, residue mobility, and thermodynamic stability) performed at Invitae indicates that this missense variant is expected to disrupt CACNA1A protein function. This variant has not been reported in the literature in individuals affected with CACNA1A-related conditions. This variant is not present in population databases (gnomAD no frequency). This sequence change replaces glutamine, which is neutral and polar, with histidine, which is basic and polar, at codon 1687 of the CACNA1A protein (p.Gln1687His).